The following is an entry in ClinVar:

NM_000117.3(EMD):c.421TCT[2] (p.Ser143del)

Gene: EMD (emerin; plus strand). Cytogenetic location: Xq28.
Variant type: Microsatellite.
Coding change: c.421TCT[2] on transcript NM_000117.3 (MANE Select); two copies in a row of the 3-base unit TCT starting at c.421; the reference has three copies in a row; one copy, 3 bases deleted.
Protein change: p.Ser143del; deletes serine 143.
Molecular consequence: inframe deletion.
Genome position (GRCh38, 1-based): chrX:154,380,780-154,380,782, TCT deleted; deleting any 3 consecutive bases within chrX:154,380,774-154,380,782 gives the same sequence; the position shown is the placement nearest the transcript's 3' end. VCF-style (leftmost placement, unchanged base first): chrX-154380773-GTCT-G. GRCh37 (hg19) VCF-style: chrX-153609133-GTCT-G.
Other names: c.427_429delTCT (NM_000117.2); short protein forms S143del.
Identifiers: ClinVar variation 652189 (VCV000652189.4), dbSNP rs1557182551, ClinGen allele CA645290426.

ClinVar aggregate classification (germline): Uncertain significance. Review status: criteria provided, multiple submitters, no conflicts (2 of 4 stars). 2 submissions from 2 submitters: Uncertain significance (2). Last evaluated 2022-02-03.

Conditions:
Cardiovascular phenotype. Identifiers: MedGen CN230736.
X-linked Emery-Dreifuss muscular dystrophy. Also called: Muscular dystrophy, tardive Emery-Dreifuss type, with contractures. Identifiers: Orphanet 261, Orphanet 98863, MedGen C0751337, MONDO:0010680.

Submissions (2):

Labcorp Genetics (formerly Invitae), Labcorp
Classification: Uncertain significance for X-linked Emery-Dreifuss muscular dystrophy. Last evaluated: 2022-02-03. Review status: criteria provided, single submitter. Criteria: Invitae Variant Classification Sherloc (09022015). Collection method: clinical testing. Allele origin: germline.
Comment: This variant, c.427_429del, results in the deletion of 1 amino acid(s) of the EMD protein (p.Ser143del), but otherwise preserves the integrity of the reading frame. This variant is present in population databases (no rsID available, gnomAD 0.006%), including at least one homozygous and/or hemizygous individual. This variant has not been reported in the literature in individuals affected with EMD-related conditions. ClinVar contains an entry for this variant (Variation ID: 652189). Experimental studies and prediction algorithms are not available or were not evaluated, and the functional significance of this variant is currently unknown. In summary, the available evidence is currently insufficient to determine the role of this variant in disease. Therefore, it has been classified as a Variant of Uncertain Significance.

Ambry Genetics
Classification: Uncertain significance for Cardiovascular phenotype. Last evaluated: 2019-01-14. Review status: criteria provided, single submitter. Criteria: Ambry Variant Classification Scheme 2023. Collection method: clinical testing. Allele origin: germline.
Comment: The c.427_429delTCT (p.S143del) alteration is located in exon 5 (coding exon 5) of the EMD gene. This alteration consists of an in-frame deletion of 3 nucleotides between nucleotide positions c.427 and c.429, resulting in the deletion of <NA> residues. Based on insufficient or conflicting evidence, the clinical significance of this alteration remains unclear.